The following is an entry in ClinVar:

NM_001098.3(ACO2):c.1776T>C (p.Cys592=)

Genes: ACO2 (aconitase 2; plus strand), POLR3H (RNA polymerase III subunit H; minus strand). Cytogenetic location: 22q13.2.
Variant type: single nucleotide variant.
Coding change: c.1776T>C on transcript NM_001098.3 (MANE Select); coding-DNA position 1776, T replaced by C.
Protein change: p.Cys592=; no amino-acid change (cysteine 592 retained).
Molecular consequence: synonymous variant. On other transcripts: 3 prime UTR variant (5).
Genome position (GRCh38, 1-based): chr22:41,526,276, T>C. VCF-style: chr22-41526276-T-C. GRCh37 (hg19) VCF-style: chr22-41922280-T-C.
Other names: c.*3007A>G (NM_001018050.4, NM_001018052.4, NM_001282884.2 and 2 more transcripts).
Identifiers: ClinVar variation 64475 (VCV000064475.6), dbSNP rs368044961, ClinGen allele CA216225.
Genomic context (GRCh38, chr22:41,526,276, plus strand): 5'-TCCAGGGCCATGCCCTGACCTCTGTCCTCTCTACTTACCACCCAAGGTCAAAGGGAAGTG[T>C]ACCACTGACCACATCTCAGCTGCTGGCCCCTGGCTCAAGTTCCGTGGGCACTTGGATAAC-3'
Protein context (NP_001089.1, residues 582-602): LQILIKVKGK[Cys592=]TTDHISAAGP

ClinVar aggregate classification (germline): Likely benign. Review status: criteria provided, single submitter (1 of 4 stars). 2 submissions from 2 submitters: Likely benign (1). 1 of the submissions does not count toward it. Last evaluated 2026-01-05.

Allele frequency attached by ClinVar (database versions not stated): gnomAD 0.00001; gnomAD exomes 0.00001 and 0.00002; ExAC 0.00002; TOPMed 0.00002; ESP Exome Variant Server 0.00008.
gnomAD v4.1: 10 of 1,612,098 alleles (0.00062%); highest among the groups gnomAD compares: Admixed American, 0.01%; no homozygotes.

Submissions (2):

Labcorp Genetics (formerly Invitae), Labcorp
Classification: Likely benign. Last evaluated: 2026-01-05. Review status: criteria provided, single submitter. Criteria: Invitae Variant Classification Sherloc (09022015). Collection method: clinical testing. Allele origin: germline.

Martin Pollak Laboratory,  Beth Israel Deaconess Medical Center
Classification: Uncertain significance. Review status: no assertion criteria provided. Collection method: not provided. Allele origin: unknown. Not counted in ClinVar's aggregate classification.
Comment: Higher UCa2+ group
ClinVar note: Converted during submission from unknown to Uncertain significance.